The following is an entry in ClinVar:

NM_020922.5(WNK3):c.4857A>G (p.Ile1619Met)

Gene: WNK3 (WNK lysine deficient protein kinase 3; minus strand). Cytogenetic location: Xp11.22.
Variant type: single nucleotide variant.
Coding change: c.4857A>G on transcript NM_020922.5 (MANE Select); coding-DNA position 4857, A replaced by G.
Protein change: p.Ile1619Met; replaces isoleucine 1619 with methionine.
Molecular consequence: missense variant. On other transcripts: intron variant (2).
Genome position (GRCh38, 1-based): chrX:54,228,727, T>C on the plus strand (A>G on the coding strand, the complement: WNK3 is on the minus strand). VCF-style: chrX-54228727-T-C. GRCh37 (hg19) VCF-style: chrX-54255160-T-C.
Other names: c.4699+4082A>G (NM_001395166.1, NM_001002838.4); short protein forms I1619M.
Identifiers: ClinVar variation 4690212 (VCV004690212.1).

ClinVar aggregate classification (germline): Uncertain significance (1 of 4 stars; one submission).

gnomAD v4.1: 1 of 492,308 alleles (0.0002%); highest among the groups gnomAD compares: Middle Eastern, 0.033%; no homozygotes.

Submission:

GeneDx
Classification: Uncertain significance. Last evaluated: 2025-08-01. Review status: criteria provided, single submitter. Criteria: GeneDx Variant Classification Process June 2021. Collection method: clinical testing. Allele origin: germline. Affected: yes.
Comment: Not observed at significant frequency in large population cohorts (gnomAD); In silico analysis suggests that this missense variant does not alter protein structure/function; Has not been previously published as pathogenic or benign to our knowledge